The following is an entry in ClinVar:

NM_001112741.2(KCNC1):c.1505A>G (p.Asp502Gly)

Gene: KCNC1 (potassium voltage-gated channel subfamily C member 1; plus strand). Cytogenetic location: 11p15.1.
Variant type: single nucleotide variant.
Coding change: c.1505A>G on transcript NM_001112741.2 (MANE Select); coding-DNA position 1505, A replaced by G.
Protein change: p.Asp502Gly; replaces aspartic acid 502 with glycine.
Molecular consequence: missense variant.
Genome position (GRCh38, 1-based): chr11:17,779,456, A>G. VCF-style: chr11-17779456-A-G. GRCh37 (hg19) VCF-style: chr11-17801003-A-G.
Other names: short protein forms D502G.
Identifiers: ClinVar variation 650375 (VCV000650375.9), dbSNP rs1590109843, ClinGen allele CA379813908.

ClinVar aggregate classification (germline): Uncertain significance (1 of 4 stars; one submission).

Conditions:
Progressive myoclonic epilepsy type 7. Identifiers: Orphanet 435438, MedGen C4015420, MONDO:0014521, OMIM 616187.

Submission:

Labcorp Genetics (formerly Invitae), Labcorp
Classification: Uncertain significance for Progressive myoclonic epilepsy type 7. Last evaluated: 2018-09-13. Review status: criteria provided, single submitter. Criteria: Invitae Variant Classification Sherloc (09022015). Collection method: clinical testing. Allele origin: germline.
Comment: This variant has not been reported in the literature in individuals with KCNC1-related disease. This variant is not present in population databases (ExAC no frequency). This sequence change replaces aspartic acid with glycine at codon 502 of the KCNC1 protein (p.Asp502Gly). The aspartic acid residue is weakly conserved and there is a moderate physicochemical difference between aspartic acid and glycine. In summary, the available evidence is currently insufficient to determine the role of this variant in disease. Therefore, it has been classified as a Variant of Uncertain Significance. Algorithms developed to predict the effect of missense changes on protein structure and function (SIFT, PolyPhen-2, Align-GVGD) all suggest that this variant is likely to be tolerated, but these predictions have not been confirmed by published functional studies and their clinical significance is uncertain.